The following is an entry in ClinVar:

ClinVar aggregate classification (germline): Uncertain significance. Review status: criteria provided, multiple submitters, no conflicts (2 of 4 stars). 4 submissions from 4 submitters: Uncertain significance (4). Last evaluated 2025-07-23.

Conditions:
HMGCS2-related disorder. Also called: HMGCS2-related condition.
Inborn genetic diseases. Identifiers: MedGen C0950123, MeSH D030342.
3-hydroxy-3-methylglutaryl-CoA synthase deficiency (HMGCS2D). Also called: HMG-CoA synthase-2 deficiency; HMGCS2 DEFICIENCY; MITOCHONDRIAL HMG-CoA SYNTHASE DEFICIENCY. Identifiers: Orphanet 35701, MedGen C2751532, MONDO:0011614, OMIM 605911.

Allele frequency attached by ClinVar (database versions not stated): gnomAD exomes 0.00004; ExAC 0.00006; TOPMed 0.00010; gnomAD 0.00011 and 0.00012; ESP Exome Variant Server 0.00015; 1000 Genomes Project 30x 0.00016; 1000 Genomes Project 0.00020.
gnomAD v4.1: 66 of 1,614,106 alleles (0.0041%); highest among the groups gnomAD compares: African/African-American, 0.061%; no homozygotes.

Submissions (4):

PreventionGenetics, part of Exact Sciences
Classification: Uncertain significance for HMGCS2-related condition. Last evaluated: 2025-07-23. Review status: criteria provided, single submitter. Criteria: ACMG Guidelines, 2015. Collection method: clinical testing. Allele origin: germline.
Comment: The HMGCS2 c.894G>A variant is predicted to result in the amino acid substitution p.Met298Ile. To our knowledge, this variant has not been reported in the literature. This variant is reported in 0.024% of alleles in individuals of African descent in gnomAD. At this time, the clinical significance of this variant is uncertain due to the absence of conclusive functional and genetic evidence.

Ambry Genetics
Classification: Uncertain significance for Inborn genetic diseases. Last evaluated: 2025-01-19. Review status: criteria provided, single submitter. Criteria: Ambry Variant Classification Scheme 2023. Collection method: clinical testing. Allele origin: germline.

Labcorp Genetics (formerly Invitae), Labcorp
Classification: Uncertain significance for 3-hydroxy-3-methylglutaryl-CoA synthase deficiency. Last evaluated: 2021-12-30. Review status: criteria provided, single submitter. Criteria: Invitae Variant Classification Sherloc (09022015). Collection method: clinical testing. Allele origin: germline.
Comment: This sequence change replaces methionine, which is neutral and non-polar, with isoleucine, which is neutral and non-polar, at codon 298 of the HMGCS2 protein (p.Met298Ile). This variant is present in population databases (rs138086607, gnomAD 0.02%). This variant has not been reported in the literature in individuals affected with HMGCS2-related conditions. ClinVar contains an entry for this variant (Variation ID: 570841). Algorithms developed to predict the effect of missense changes on protein structure and function output the following: SIFT: "Tolerated"; PolyPhen-2: "Benign"; Align-GVGD: "Class C0". The isoleucine amino acid residue is found in multiple mammalian species, which suggests that this missense change does not adversely affect protein function. In summary, the available evidence is currently insufficient to determine the role of this variant in disease. Therefore, it has been classified as a Variant of Uncertain Significance.

Illumina Laboratory Services, Illumina
Classification: Uncertain significance for 3-hydroxy-3-methylglutaryl-CoA synthase deficiency. Last evaluated: 2018-01-13. Review status: criteria provided, single submitter. Criteria: ICSL Variant Classification Criteria 13 December 2019. Collection method: clinical testing. Allele origin: germline.

NM_005518.4(HMGCS2):c.894G>A (p.Met298Ile)

Gene: HMGCS2 (3-hydroxy-3-methylglutaryl-CoA synthase 2; minus strand). Cytogenetic location: 1p12.
Variant type: single nucleotide variant.
Coding change: c.894G>A on transcript NM_005518.4 (MANE Select); coding-DNA position 894, G replaced by A.
Protein change: p.Met298Ile; replaces methionine 298 with isoleucine.
Molecular consequence: missense variant.
Genome position (GRCh38, 1-based): chr1:119,757,395, C>T on the plus strand (G>A on the coding strand, the complement: HMGCS2 is on the minus strand). VCF-style: chr1-119757395-C-T. GRCh37 (hg19) VCF-style: chr1-120300018-C-T.
Other names: c.768G>A, p.Met256Ile (NM_001166107.1); short protein forms M256I, M298I.
Identifiers: ClinVar variation 570841 (VCV000570841.16), dbSNP rs138086607, ClinGen allele CA1037731.
Genomic context (GRCh38, chr1:119,757,395, plus strand): 5'-ATTGAACATCAGGCGAGCCAGAGACTTCTGGACCATCTTGCAAAAGGGTGTATGAAAGAT[C>T]ATGTACTGTAAATCGTCAAGGGTGAAGGGTCGATCGCTGCCAGCTGGAAGAGGAAGCGTG-3'
Protein context (NP_005509.1, residues 288-308): RPFTLDDLQY[Met298Ile]IFHTPFCKMV